The following is an entry in ClinVar:

NM_001134745.3(LRRTM4):c.5-5C>T

Gene: LRRTM4 (leucine rich repeat transmembrane neuronal 4; minus strand). Cytogenetic location: 2p12.
Variant type: single nucleotide variant.
Coding change: c.5-5C>T on transcript NM_001134745.3 (MANE Select); 5 bases into the intron before coding-DNA position 5, C replaced by T.
Molecular consequence: intron variant.
Genome position (GRCh38, 1-based): chr2:77,519,869, G>A on the plus strand (C>T on the coding strand, the complement: LRRTM4 is on the minus strand). VCF-style: chr2-77519869-G-A. GRCh37 (hg19) VCF-style: chr2-77746995-G-A.
Other names: c.8-5C>T (NM_001330370.2, NM_001282928.3); c.5-5C>T (NM_001282924.3, NM_024993.6).
Identifiers: ClinVar variation 3351216 (VCV003351216.1).
Genomic context (GRCh38, chr2:77,519,869, plus strand): 5'-AGGAAGTAGCACCAGCACCACACTCATGCCTTTCAGCTGCGTAATTAAATGGAAACCTAC[G>A]ATATTAAAAAAAAGACAGATGCACATTGTGAAGCTATTAAAATAAATCACCGTCGGTTTA-3'

ClinVar aggregate classification (germline): Likely benign (0 of 4 stars; one submission).

Conditions:
LRRTM4-related disorder. Also called: LRRTM4-related condition.

gnomAD v4.1: 30 of 1,568,468 alleles (0.0019%); highest among the groups gnomAD compares: Non-Finnish European, 0.0025%; no homozygotes.

Submission:

PreventionGenetics, part of Exact Sciences
Classification: Likely benign for LRRTM4-related condition. Last evaluated: 2019-07-19. Review status: no assertion criteria provided. Collection method: clinical testing. Allele origin: germline.
Comment: This variant is classified as likely benign based on ACMG/AMP sequence variant interpretation guidelines (Richards et al. 2015 PMID: 25741868, with internal and published modifications).